The following is an entry in ClinVar:

NM_006035.4(CDC42BPB):c.1157G>A (p.Gly386Asp)

Gene: CDC42BPB (CDC42 binding protein kinase beta; minus strand). Cytogenetic location: 14q32.32.
Variant type: single nucleotide variant.
Coding change: c.1157G>A on transcript NM_006035.4 (MANE Select); coding-DNA position 1157, G replaced by A.
Protein change: p.Gly386Asp; replaces glycine 386 with aspartic acid.
Molecular consequence: missense variant.
Genome position (GRCh38, 1-based): chr14:102,978,189, C>T on the plus strand (G>A on the coding strand, the complement: CDC42BPB is on the minus strand). VCF-style: chr14-102978189-C-T. GRCh37 (hg19) VCF-style: chr14-103444526-C-T.
Other names: p.Gly386Asp; c.1157G>A, p.Gly386Asp (NM_001411054.1); short protein forms G386D.
Identifiers: ClinVar variation 4852481 (VCV004852481.1).
Genomic context (GRCh38, chr14:102,978,189, plus strand): 5'-TCCGTTGTGAATGTAAAACCAATGAATGGCAAATGTAATCCAGAAAAGCCTGTGTGAGAA[C>T]CAGGAGGTAATATTTCCTGCATAAGAACATATACAACACAAATGAAATCTACATTCAAAC-3'
Protein context (NP_006026.3, residues 376-396): VLRNTEILPP[Gly386Asp]SHTGFSGLHL

ClinVar aggregate classification (germline): Uncertain significance (1 of 4 stars; one submission).

Conditions:
Chilton-Okur-Chung neurodevelopmental syndrome (CHOCNS). Identifiers: MedGen C5677022, MONDO:0859239, OMIM 619841.

gnomAD v4.1: 1 of 1,613,026 alleles (0.000062%); highest among the groups gnomAD compares: South Asian, 0.0011%; no homozygotes.

Submission:

Foundation for Research in Genetics and Endocrinology, FRIGE's Institute of Human Genetics
Classification: Uncertain significance for Chilton-Okur-Chung neurodevelopmental syndrome. Last evaluated: 2026-04-29. Review status: criteria provided, single submitter. Criteria: ACMG Guidelines, 2015. Collection method: clinical testing. Allele origin: germline. Inheritance: Autosomal dominant inheritance. Affected: yes. Observed: 1 variant allele, 1 heterozygote.
Comment: A heterozygous missense variant in exon 9 of the CDC42BPB gene that results in the amino acid substitution of Aspartic acid for Glycine at codon 386 (p.Gly386Asp) was detected. The p.Gly386Asp variant has not been reported in the 1000 genomes, gnomAD (v3.1), gnomAD (v2.1) and topmed database. In summary the variant meets our criterion to be classified as variant of uncertain significance.